The following is an entry in ClinVar:

ClinVar aggregate classification (germline): Uncertain significance (1 of 4 stars; one submission).

gnomAD v4.1: 5 of 1,592,060 alleles (0.00031%); highest among the groups gnomAD compares: African/African-American, 0.0067%; no homozygotes.

Submission:

Labcorp Genetics (formerly Invitae), Labcorp
Classification: Uncertain significance. Last evaluated: 2025-10-23. Review status: criteria provided, single submitter. Criteria: Invitae Variant Classification Sherloc (09022015). Collection method: clinical testing. Allele origin: germline.
Comment: This sequence change replaces lysine, which is basic and polar, with arginine, which is basic and polar, at codon 34 of the TRPV6 protein (p.Lys34Arg). The frequency data for this variant in the population databases is considered unreliable, as metrics indicate poor data quality at this position in the gnomAD database. This variant has not been reported in the literature in individuals affected with TRPV6-related conditions. Experimental studies and prediction algorithms are not available or were not evaluated, and the functional significance of this variant is currently unknown. In summary, the available evidence is currently insufficient to determine the role of this variant in disease. Therefore, it has been classified as a Variant of Uncertain Significance.

NM_018646.6(TRPV6):c.101A>G (p.Lys34Arg)

Gene: TRPV6 (transient receptor potential cation channel subfamily V member 6; minus strand). Cytogenetic location: 7q34.
Variant type: single nucleotide variant.
Coding change: c.101A>G on transcript NM_018646.6 (MANE Select); coding-DNA position 101, A replaced by G.
Protein change: p.Lys34Arg; replaces lysine 34 with arginine.
Molecular consequence: missense variant.
Genome position (GRCh38, 1-based): chr7:142,885,536, T>C on the plus strand (A>G on the coding strand, the complement: TRPV6 is on the minus strand). VCF-style: chr7-142885536-T-C. GRCh37 (hg19) VCF-style: chr7-142583281-T-C.
Other names: short protein forms K34R.
Identifiers: ClinVar variation 4799310 (VCV004799310.1).
Genomic context (GRCh38, chr7:142,885,536, plus strand): 5'-CAGAGAATTAGCCCTTTCTCCTTGGGCAGTGACAAACCCATGGGGTGTAGGGCCGGCTCC[T>C]TGGGGGCCTGAGGCCGAGGCCAGACCCTGACGGGACTCAGCCTTGGGGCCACATCAGCCC-3'
Protein context (NP_061116.5, residues 24-44): VRVWPRPQAP[Lys34Arg]EPALHPMGLS